The following is an entry in ClinVar:

ClinVar aggregate classification (germline): Likely pathogenic (1 of 4 stars; one submission).

Submission:

Labcorp Genetics (formerly Invitae), Labcorp
Classification: Likely pathogenic. Last evaluated: 2022-03-11. Review status: criteria provided, single submitter. Criteria: Invitae Variant Classification Sherloc (09022015). Collection method: clinical testing. Allele origin: germline.
Comment: In summary, the currently available evidence indicates that the variant is pathogenic, but additional data are needed to prove that conclusively. Therefore, this variant has been classified as Likely Pathogenic. This variant disrupts the p.Asp851 amino acid residue in SMARCA2. Other variant(s) that disrupt this residue have been determined to be pathogenic (PMID: 22366787). This suggests that this residue is clinically significant, and that variants that disrupt this residue are likely to be disease-causing. Advanced modeling of protein sequence and biophysical properties (such as structural, functional, and spatial information, amino acid conservation, physicochemical variation, residue mobility, and thermodynamic stability) performed at Invitae indicates that this missense variant is expected to disrupt SMARCA2 protein function. This missense change has been observed in individual(s) with clinical features of Nicolaides-Baraitser syndrome (Invitae). This variant is not present in population databases (gnomAD no frequency). This sequence change replaces aspartic acid, which is acidic and polar, with asparagine, which is neutral and polar, at codon 851 of the SMARCA2 protein (p.Asp851Asn).

Literature cited by the submitters: PubMed 22366787.

NM_003070.5(SMARCA2):c.2551G>A (p.Asp851Asn)

Gene: SMARCA2 (SWI/SNF related BAF chromatin remodeling complex subunit ATPase 2; plus strand). Cytogenetic location: 9p24.3.
Variant type: single nucleotide variant.
Coding change: c.2551G>A on transcript NM_003070.5 (MANE Select); coding-DNA position 2551, G replaced by A.
Protein change: p.Asp851Asn; replaces aspartic acid 851 with asparagine.
Molecular consequence: missense variant.
Genome position (GRCh38, 1-based): chr9:2,086,853, G>A. VCF-style: chr9-2086853-G-A. GRCh37 (hg19) VCF-style: chr9-2086853-G-A.
Other names: c.2551G>A, p.Asp851Asn (NM_001289396.2, NM_001289397.2, NM_139045.4); short protein forms D851N.
Identifiers: ClinVar variation 2109436 (VCV002109436.4), dbSNP rs281875206, ClinGen allele CA372784845.